The following is an entry in ClinVar:

ClinVar aggregate classification (germline): Benign/Likely benign. Review status: criteria provided, multiple submitters, no conflicts (2 of 4 stars). 3 submissions from 3 submitters: Benign (1); Likely benign (2). Last evaluated 2025-06-20.

Conditions:
Hereditary cancer-predisposing syndrome. Also called: Hereditary Cancer Syndrome; Hereditary neoplastic syndrome; Tumor predisposition; Neoplastic Syndromes, Hereditary. Identifiers: Orphanet 140162, MedGen C0027672, MeSH D009386, MONDO:0015356.
Hereditary nonpolyposis colorectal neoplasms. Identifiers: MedGen C0009405, MeSH D003123.
Lynch syndrome 4 (LYNCH4). Also called: Colorectal cancer, hereditary nonpolyposis, type 4; Hereditary non-polyposis colorectal cancer, type 4. Identifiers: Orphanet 144, MedGen C1838333, MONDO:0013699, OMIM 614337. Disease mechanism: loss of function.

Submissions (3):

Labcorp Genetics (formerly Invitae), Labcorp
Classification: Likely benign for Hereditary nonpolyposis colorectal neoplasms. Last evaluated: 2025-06-20. Review status: criteria provided, single submitter. Criteria: Invitae Variant Classification Sherloc (09022015). Collection method: clinical testing. Allele origin: germline.

Myriad Genetics, Inc.
Classification: Benign for Lynch syndrome 4. Last evaluated: 2025-02-04. Review status: criteria provided, single submitter. Criteria: Myriad Autosomal Dominant, Autosomal Recessive and X-Linked Classification Criteria (2023). Collection method: clinical testing. Allele origin: unknown.
Comment: This variant is considered benign. This variant is a silent/synonymous amino acid change and it is not expected to impact splicing.

Ambry Genetics
Classification: Likely benign for Hereditary cancer-predisposing syndrome. Last evaluated: 2022-01-28. Review status: criteria provided, single submitter. Criteria: Ambry Variant Classification Scheme 2023. Collection method: clinical testing. Allele origin: germline.

NM_000535.7(PMS2):c.2466T>G (p.Leu822=)

Gene: PMS2 (PMS1 homolog 2, mismatch repair system component; minus strand). Cytogenetic location: 7p22.1.
Variant type: single nucleotide variant.
Coding change: c.2466T>G on transcript NM_000535.7 (MANE Select); coding-DNA position 2466, T replaced by G.
Protein change: p.Leu822=; no amino-acid change (leucine 822 retained).
Molecular consequence: synonymous variant. On other transcripts: non-coding transcript variant (1).
Genome position (GRCh38, 1-based): chr7:5,973,522, A>C on the plus strand (T>G on the coding strand, the complement: PMS2 is on the minus strand). VCF-style: chr7-5973522-A-C. GRCh37 (hg19) VCF-style: chr7-6013153-A-C.
Other names: c.2061T>G, p.Leu687= (NM_001018040.1, NM_001322003.2, NM_001322004.2 and 12 more transcripts); c.2310T>G, p.Leu770= (NM_001322006.2); c.2148T>G, p.Leu716= (NM_001322007.2, NM_001322008.2, NM_001406883.1); c.2094T>G, p.Leu698= (NM_001322009.2, NM_001406887.1, NM_001406888.1); c.1905T>G, p.Leu635= (NM_001322010.2, NM_001406906.1, NM_001406907.1); c.1533T>G, p.Leu511= (NM_001322011.2, NM_001322012.2); c.1893T>G, p.Leu631= (NM_001322013.2, NM_001406908.1, NM_001406909.1); c.2499T>G, p.Leu833= (NM_001322014.2); and 20 more.
Identifiers: ClinVar variation 1791696 (VCV001791696.4), dbSNP rs10000, ClinGen allele CA453642174.